The following is an entry in ClinVar:

ClinVar aggregate classification (germline): Uncertain significance (1 of 4 stars; one submission).

gnomAD v4.1: 2 of 1,613,756 alleles (0.00012%); highest among the groups gnomAD compares: Admixed American, 0.0017%; no homozygotes.

Submission:

Labcorp Genetics (formerly Invitae), Labcorp
Classification: Uncertain significance. Last evaluated: 2024-05-06. Review status: criteria provided, single submitter. Criteria: Invitae Variant Classification Sherloc (09022015). Collection method: clinical testing. Allele origin: germline.
Comment: This sequence change replaces arginine, which is basic and polar, with glutamine, which is neutral and polar, at codon 267 of the RUNX2 protein (p.Arg267Gln). This variant is present in population databases (no rsID available, gnomAD 0.003%). This variant has not been reported in the literature in individuals affected with RUNX2-related conditions. Advanced modeling of protein sequence and biophysical properties (such as structural, functional, and spatial information, amino acid conservation, physicochemical variation, residue mobility, and thermodynamic stability) performed at Invitae indicates that this missense variant is not expected to disrupt RUNX2 protein function with a negative predictive value of 80%. In summary, the available evidence is currently insufficient to determine the role of this variant in disease. Therefore, it has been classified as a Variant of Uncertain Significance.

NM_001024630.4(RUNX2):c.800G>A (p.Arg267Gln)

Gene: RUNX2 (RUNX family transcription factor 2; plus strand). Cytogenetic location: 6p21.1.
Variant type: single nucleotide variant.
Coding change: c.800G>A on transcript NM_001024630.4 (MANE Select); coding-DNA position 800, G replaced by A.
Protein change: p.Arg267Gln; replaces arginine 267 with glutamine.
Molecular consequence: missense variant.
Genome position (GRCh38, 1-based): chr6:45,492,055, G>A. VCF-style: chr6-45492055-G-A. GRCh37 (hg19) VCF-style: chr6-45459792-G-A.
Other names: c.800G>A, p.Arg267Gln (NM_001015051.4); c.758G>A, p.Arg253Gln (NM_001278478.2, NM_001369405.1); short protein forms R267Q, R253Q.
Identifiers: ClinVar variation 3701341 (VCV003701341.2).
Genomic context (GRCh38, chr6:45,492,055, plus strand): 5'-GTGATTTAGGGCGCATTCCTCATCCCAGTATGAGAGTAGGTGTCCCGCCTCAGAACCCAC[G>A]GCCCTCCCTGAACTCTGCACCAAGTCCTTTTAATCCACAAGGACAGAGTCAGATTACAGG-3'
Protein context (NP_001019801.3, residues 257-277): MRVGVPPQNP[Arg267Gln]PSLNSAPSPF